The following is an entry in ClinVar:

ClinVar aggregate classification (germline): Likely benign (0 of 4 stars; one submission).

Conditions:
IL23R-related disorder. Also called: IL23R-related condition.

Submission:

PreventionGenetics, part of Exact Sciences
Classification: Likely benign for IL23R-related condition. Last evaluated: 2023-06-02. Review status: no assertion criteria provided. Collection method: clinical testing. Allele origin: germline.
Comment: This variant is classified as likely benign based on ACMG/AMP sequence variant interpretation guidelines (Richards et al. 2015 PMID: 25741868, with internal and published modifications).

NM_144701.3(IL23R):c.653-6_653-5del

Gene: IL23R (interleukin 23 receptor; plus strand). Cytogenetic location: 1p31.3.
Variant type: Deletion.
Coding change: c.653-6_653-5del on transcript NM_144701.3 (MANE Select); 6 bases into the intron before coding-DNA position 653 through 5 bases into the intron before coding-DNA position 653, 2 bases deleted (TT; older notation c.653-6_653-5delTT).
Molecular consequence: intron variant.
Genome position (GRCh38, 1-based): chr1:67,206,904-67,206,905, TT deleted; deleting any 2 consecutive bases within chr1:67,206,885-67,206,905 gives the same sequence; the c. name uses the placement nearest the transcript's 3' end. VCF-style (leftmost placement, unchanged base first): chr1-67206884-CTT-C. GRCh37 (hg19) VCF-style: chr1-67672567-CTT-C.
Identifiers: ClinVar variation 3038347 (VCV003038347.2), dbSNP rs557919248, ClinGen allele CA738053308.